The following is an entry in ClinVar:

NM_000059.4(BRCA2):c.4068G>A (p.Leu1356=)

Gene: BRCA2 (BRCA2 DNA repair associated; plus strand). Cytogenetic location: 13q13.1.
Variant type: single nucleotide variant.
Coding change: c.4068G>A on transcript NM_000059.4 (MANE Select); coding-DNA position 4068, G replaced by A.
Protein change: p.Leu1356=; no amino-acid change (leucine 1356 retained).
Molecular consequence: synonymous variant.
Genome position (GRCh38, 1-based): chr13:32,338,423, G>A. VCF-style: chr13-32338423-G-A. GRCh37 (hg19) VCF-style: chr13-32912560-G-A.
Other names: L1356L; NP_000050.3:p.Leu1356=; 4296G>A.
Identifiers: ClinVar variation 51589 (VCV000051589.132), dbSNP rs28897724, ClinGen allele CA019458.
Genomic context (GRCh38, chr13:32,338,423, plus strand): 5'-TGATGGCAGTGATTCAAGTAAAAATGATACTGTTTGTATTCATAAAGATGAAACGGACTT[G>A]CTATTTACTGATCAGCACAACATATGTCTTAAATTATCTGGCCAGTTTATGAAGGAGGGA-3'
Protein context (NP_000050.3, residues 1346-1366): TVCIHKDETD[Leu1356=]LFTDQHNICL

ClinVar aggregate classification (germline): Benign. Review status: reviewed by expert panel (3 of 4 stars). 41 submissions from 39 submitters: Benign (1). 40 of the submissions do not count toward it. Last evaluated 2017-06-29.

Conditions:
Hereditary cancer-predisposing syndrome. Also called: Neoplastic Syndromes, Hereditary; Tumor predisposition; Hereditary Cancer Syndrome; Hereditary neoplastic syndrome. Identifiers: Orphanet 140162, MedGen C0027672, MeSH D009386, MONDO:0015356.
Breast and/or ovarian cancer. Identifiers: MedGen CN221562.
Hereditary breast ovarian cancer syndrome. Also called: Hereditary breast and/or ovarian cancer syndrome; Hereditary breast and ovarian cancer syndrome; Hereditary breast and ovarian cancer; Hereditary breast and ovarian cancer syndrome (HBOC); Breast and ovarian cancer; BRCA1- and BRCA2-Associated Hereditary Breast and Ovarian Cancer. Identifiers: Orphanet 145, MedGen C0677776, MeSH D061325, MONDO:0003582. Disease mechanism: loss of function.
Fanconi anemia complementation group D1. Also called: BRCA2-Related Fanconi Anemia. Identifiers: Orphanet 319462, MedGen C1838457, MONDO:0011584, OMIM 605724.
Breast-ovarian cancer, familial, susceptibility to, 2 (BROVCA2). Also called: BRCA2 Hereditary Breast and Ovarian Cancer. Identifiers: Orphanet 145, MedGen C2675520, MONDO:0012933, OMIM 612555. Disease mechanism: loss of function.
Familial cancer of breast. Also called: Hereditary breast cancer; BREAST CANCER, FAMILIAL; hereditary breast carcinoma. Identifiers: Orphanet 227535, MedGen C0346153, MONDO:0016419, OMIM 114480. Disease mechanism: loss of function.
Malignant tumor of breast. Also called: Malignant breast neoplasm; Cancer breast. Identifiers: MedGen C0006142, MONDO:0007254. Disease mechanism: loss of function.

Allele frequency attached by ClinVar (database versions not stated): 1000 Genomes Project 30x 0.00031; 1000 Genomes Project 0.00040; gnomAD 0.00275 and 0.00295; gnomAD exomes 0.00299; ExAC 0.00305; TOPMed 0.00312; ESP Exome Variant Server 0.00315.
gnomAD v4.1: 5,475 of 1,608,220 alleles (0.34%); highest among the groups gnomAD compares: Non-Finnish European, 0.4%; 7 homozygotes.

Submissions 1 to 19 of 41:

Evidence-based Network for the Interpretation of Germline Mutant Alleles (ENIGMA)
Classification: Benign for Breast-ovarian cancer, familial, susceptibility to, 2. Last evaluated: 2017-06-29. Review status: reviewed by expert panel. Criteria: ENIGMA BRCA1/2 Classification Criteria (2017-06-29). Collection method: curation. Allele origin: germline.
Comment: Synonymous substitution variant, with low bioinformatic likelihood to alter mRNA splicing (splicing prior 0.02) and frequency 0.0047 (Non-Finnish European), 0.0023 (Finnish), 0.0029 (Admixed American/Latino), derived from ExAC (2014-12-17).

CeGaT Center for Human Genetics Tuebingen
Classification: Likely benign. Last evaluated: 2026-09-01. Review status: criteria provided, single submitter. Criteria: CeGaT Center For Human Genetics Tuebingen Variant Classification Criteria Version 2. Collection method: clinical testing. Allele origin: germline. Affected: yes. Observed: 88 variant alleles. Not counted in ClinVar's aggregate classification.
Comment: BRCA2: BP4, BP7

Labcorp Genetics (formerly Invitae), Labcorp
Classification: Benign for Hereditary breast ovarian cancer syndrome. Last evaluated: 2026-02-04. Review status: criteria provided, single submitter. Criteria: Invitae Variant Classification Sherloc (09022015). Collection method: clinical testing. Allele origin: germline. Not counted in ClinVar's aggregate classification.

ARUP Laboratories, Molecular Genetics and Genomics, ARUP Laboratories
Classification: Benign. Last evaluated: 2025-06-17. Review status: criteria provided, single submitter. Criteria: ARUP Molecular Germline Variant Investigation Process 2024. Collection method: clinical testing. Allele origin: germline. Not counted in ClinVar's aggregate classification.

Center for Genomic Medicine, Rigshospitalet, Copenhagen University Hospital
Classification: Benign. Last evaluated: 2025-03-04. Review status: criteria provided, single submitter. Criteria: ACMG Guidelines, 2015. Collection method: clinical testing. Allele origin: germline. Not counted in ClinVar's aggregate classification.

Blueprint Genetics
Classification: Likely benign. Last evaluated: 2024-11-26. Review status: criteria provided, single submitter. Criteria: ACMG Guidelines, 2015. Collection method: clinical testing. Allele origin: germline. Not counted in ClinVar's aggregate classification.

KCCC/NGS Laboratory, Kuwait Cancer Control Center
Classification: Benign for Breast-ovarian cancer, familial, susceptibility to, 2. Last evaluated: 2023-07-07. Review status: criteria provided, single submitter. Criteria: ACMG Guidelines, 2015. Collection method: clinical testing. Allele origin: germline. Affected: yes. Not counted in ClinVar's aggregate classification.

National Health Laboratory Service, Universitas Academic Hospital and University of the Free State
Classification: Benign for Hereditary breast ovarian cancer syndrome. Last evaluated: 2021-11-16. Review status: criteria provided, single submitter. Criteria: ACMG Guidelines, 2015. Collection method: clinical testing. Allele origin: germline. Affected: yes. Observed: 2 variant alleles. Not counted in ClinVar's aggregate classification.

Genetics Program, Instituto Nacional de Cancer
Classification: Benign for Hereditary breast ovarian cancer syndrome. Last evaluated: 2021-11-01. Review status: criteria provided, single submitter. Criteria: ACMG Guidelines, 2015. Collection method: research. Allele origin: germline. Affected: yes. Not counted in ClinVar's aggregate classification.

Sema4
Classification: Benign for Hereditary cancer-predisposing syndrome. Last evaluated: 2021-03-25. Review status: criteria provided, single submitter. Criteria: Sema4 Curation Guidelines. Collection method: curation. Allele origin: germline. Not counted in ClinVar's aggregate classification.

Genetics and Molecular Pathology, SA Pathology
Classification: Benign for Breast-ovarian cancer, familial, susceptibility to, 2. Last evaluated: 2020-02-17. Review status: criteria provided, single submitter. Criteria: ACMG Guidelines, 2015. Collection method: clinical testing. Allele origin: germline. Affected: yes. Not counted in ClinVar's aggregate classification.
Comment: The BRCA2 c.4068G>A variant is classified as Benign (BA1) This BRCA2 c.4068G>A variant is synonymous (silent). The frequency of this variant in population databases is higher than expected for this disorder indicating this variant is a benign polymorphism (BA1). Population frequency of .29% for this variant greater than expected for pathogenic BRCA2 variants (expected to be 0.45% for all BRCA2 pathogenic variants). ENIGMA BRCA1/2 Classification Criteria (2017-06-29): benign

Genetic Services Laboratory, University of Chicago
Classification: Benign. Last evaluated: 2019-06-10. Review status: criteria provided, single submitter. Criteria: ACMG Guidelines, 2015. Collection method: clinical testing. Allele origin: germline. Affected: no. Not counted in ClinVar's aggregate classification.

Mendelics
Classification: Likely benign for Breast-ovarian cancer, familial, susceptibility to, 2. Last evaluated: 2019-05-28. Review status: criteria provided, single submitter. Criteria: Mendelics Assertion Criteria 2017. Collection method: clinical testing. Allele origin: unknown. Not counted in ClinVar's aggregate classification.

CHEO Genetics Diagnostic Laboratory, Children's Hospital of Eastern Ontario
Classification: Benign for Breast and/or ovarian cancer. Last evaluated: 2019-04-23. Review status: criteria provided, single submitter. Criteria: ACMG Guidelines, 2015. Collection method: clinical testing. Allele origin: germline. Not counted in ClinVar's aggregate classification.

Institute of Human Genetics, University of Leipzig Medical Center
Classification: Likely benign for Familial cancer of breast. Last evaluated: 2019-01-01. Review status: criteria provided, single submitter. Criteria: ACMG Guidelines, 2015. Collection method: clinical testing. Allele origin: unknown. Affected: yes. Not counted in ClinVar's aggregate classification.

Illumina Laboratory Services, Illumina
Classification: Likely benign for Fanconi anemia complementation group D1. Last evaluated: 2018-05-15. Review status: criteria provided, single submitter. Criteria: ICSL Variant Classification Criteria 13 December 2019. Collection method: clinical testing. Allele origin: germline. Not counted in ClinVar's aggregate classification.
Comment: This variant was observed as part of a predisposition screen in an ostensibly healthy population. A literature search was performed for the gene, cDNA change, and amino acid change (where applicable). No publications were found based on this search. Allele frequency data from public databases allowed determination this variant is unlikely to cause disease. Therefore, this variant is classified as likely benign.

Illumina Laboratory Services, Illumina
Classification: Likely benign for Breast-ovarian cancer, familial, susceptibility to, 2. Last evaluated: 2018-05-15. Review status: criteria provided, single submitter. Criteria: ICSL Variant Classification Criteria 13 December 2019. Collection method: clinical testing. Allele origin: germline. Not counted in ClinVar's aggregate classification.
Comment: This variant was observed as part of a predisposition screen in an ostensibly healthy population. A literature search was performed for the gene, cDNA change, and amino acid change (where applicable). Publications were found based on this search. The evidence from the literature, in combination with allele frequency data from public databases where available, was sufficient to determine this variant is unlikely to cause disease. Therefore, this variant is classified as likely benign.

Institute for Biomarker Research, Medical Diagnostic Laboratories, L.L.C.
Classification: Likely benign for Hereditary cancer-predisposing syndrome. Last evaluated: 2017-07-12. Review status: criteria provided, single submitter. Criteria: ACMG Guidelines, 2015. Collection method: clinical testing. Allele origin: germline. Not counted in ClinVar's aggregate classification.

Cancer Genetics and Genomics Laboratory, British Columbia Cancer Agency
Classification: Benign. Last evaluated: 2017-04-18. Review status: criteria provided, single submitter. Criteria: ACMG Guidelines, 2015. Collection method: clinical testing. Allele origin: germline. Study: The Canadian Open Genetics Repository (COGR). Not counted in ClinVar's aggregate classification.